The following is an entry in ClinVar:

ClinVar aggregate classification (germline): Conflicting classifications of pathogenicity. Review status: criteria provided, conflicting classifications (1 of 4 stars). 4 submissions from 4 submitters: Uncertain significance (2); Likely benign (2). Last evaluated 2024-09-23.

Conditions:
Inborn genetic diseases. Identifiers: MedGen C0950123, MeSH D030342.

Allele frequency attached by ClinVar (database versions not stated): gnomAD exomes 0.00001; gnomAD 0.00002 and 0.00003; TOPMed 0.00003; 1000 Genomes Project 30x 0.00016; 1000 Genomes Project 0.00020.
gnomAD v4.1: 25 of 1,550,532 alleles (0.0016%); highest among the groups gnomAD compares: African/African-American, 0.023%; no homozygotes.

Submissions (4):

Blueprint Genetics
Classification: Uncertain significance. Last evaluated: 2024-09-23. Review status: criteria provided, single submitter. Criteria: ACMG Guidelines, 2015. Collection method: clinical testing. Allele origin: germline.

Ambry Genetics
Classification: Likely benign for Inborn genetic diseases. Last evaluated: 2021-07-21. Review status: criteria provided, single submitter. Criteria: Ambry Variant Classification Scheme 2023. Collection method: clinical testing. Allele origin: germline.

Eurofins Ntd Llc (ga)
Classification: Uncertain significance. Last evaluated: 2016-11-14. Review status: criteria provided, single submitter. Criteria: EGL Classification Definitions 2015. Collection method: clinical testing. Allele origin: germline. Observed: 1 variant allele, 1 heterozygote.

Laboratory for Molecular Medicine, Mass General Brigham Personalized Medicine
Classification: Likely benign. Last evaluated: 2014-11-25. Review status: criteria provided, single submitter. Criteria: LMM Criteria. Collection method: clinical testing. Allele origin: germline. Observed: 1 variant allele.
Comment: proposed classification - variant undergoing re-assessment, contact laboratory

NM_001384474.1(LOXHD1):c.6148A>G (p.Met2050Val)

Gene: LOXHD1 (lipoxygenase homology PLAT domains 1; minus strand). Cytogenetic location: 18q21.1.
Variant type: single nucleotide variant.
Coding change: c.6148A>G on transcript NM_001384474.1 (MANE Select); coding-DNA position 6148, A replaced by G.
Protein change: p.Met2050Val; replaces methionine 2050 with valine.
Molecular consequence: missense variant.
Genome position (GRCh38, 1-based): chr18:46,485,053, T>C on the plus strand (A>G on the coding strand, the complement: LOXHD1 is on the minus strand). VCF-style: chr18-46485053-T-C. GRCh37 (hg19) VCF-style: chr18-44065016-T-C.
Other names: c.2815A>G, p.Met939Val (NM_001145472.3); c.865A>G, p.Met289Val (NM_001145473.3, NM_001173129.2); c.2527A>G, p.Met843Val (NM_001308013.2); c.5962A>G, p.Met1988Val (NM_144612.7); short protein forms M1988V, M939V, M843V, M289V, M2050V.
Identifiers: ClinVar variation 163887 (VCV000163887.11), dbSNP rs141749060, ClinGen allele CA176608.